The following is an entry in ClinVar:

ClinVar aggregate classification (germline): Uncertain significance (1 of 4 stars; one submission).

gnomAD v4.1: 36 of 1,609,934 alleles (0.0022%); highest among the groups gnomAD compares: African/African-American, 0.044%; no homozygotes.

Submission:

GeneDx
Classification: Uncertain significance. Last evaluated: 2025-06-22. Review status: criteria provided, single submitter. Criteria: GeneDx Variant Classification Process June 2021. Collection method: clinical testing. Allele origin: germline. Affected: yes.
Comment: In silico analysis suggests that this missense variant does not alter protein structure/function; Has not been previously published as pathogenic or benign to our knowledge

NM_001084.5(PLOD3):c.622C>G (p.Leu208Val)

Gene: PLOD3 (procollagen-lysine,2-oxoglutarate 5-dioxygenase 3; minus strand). Cytogenetic location: 7q22.1.
Variant type: single nucleotide variant.
Coding change: c.622C>G on transcript NM_001084.5 (MANE Select); coding-DNA position 622, C replaced by G.
Protein change: p.Leu208Val; replaces leucine 208 with valine.
Molecular consequence: missense variant.
Genome position (GRCh38, 1-based): chr7:101,215,146, G>C on the plus strand (C>G on the coding strand, the complement: PLOD3 is on the minus strand). VCF-style: chr7-101215146-G-C. GRCh37 (hg19) VCF-style: chr7-100858427-G-C.
Other names: short protein forms L208V.
Identifiers: ClinVar variation 4540043 (VCV004540043.1).
Genomic context (GRCh38, chr7:101,215,146, plus strand): 5'-CACCTAAAGCCCCGTTGAGGTTCTGAAAGATCCGAGACTTATGATCCAGATTAAGGCTGA[G>C]TTTCTCCTAAATGGAATGAGATGCGATGGAGTGGTTAAAATGGAAGGAGTGGAAAGGACA-3'
Protein context (NP_001075.1, residues 198-218): LYLDPGLREK[Leu208Val]SLNLDHKSRI